The following is an entry in ClinVar:

ClinVar aggregate classification (germline): Uncertain significance (1 of 4 stars; one submission).

Submission:

Labcorp Genetics (formerly Invitae), Labcorp
Classification: Uncertain significance. Last evaluated: 2024-08-29. Review status: criteria provided, single submitter. Criteria: Invitae Variant Classification Sherloc (09022015). Collection method: clinical testing. Allele origin: germline.
Comment: This sequence change replaces arginine, which is basic and polar, with tryptophan, which is neutral and slightly polar, at codon 587 of the CLTC protein (p.Arg587Trp). This variant is not present in population databases (gnomAD no frequency). This variant has not been reported in the literature in individuals affected with CLTC-related conditions. Experimental studies and prediction algorithms are not available or were not evaluated, and the functional significance of this variant is currently unknown. In summary, the available evidence is currently insufficient to determine the role of this variant in disease. Therefore, it has been classified as a Variant of Uncertain Significance.

NM_004859.4(CLTC):c.1747C>T (p.Arg583Trp)

Gene: CLTC (clathrin heavy chain; plus strand). Cytogenetic location: 17q23.1.
Variant type: single nucleotide variant.
Coding change: c.1747C>T on transcript NM_004859.4 (MANE Select); coding-DNA position 1747, C replaced by T.
Protein change: p.Arg583Trp; replaces arginine 583 with tryptophan.
Molecular consequence: missense variant.
Genome position (GRCh38, 1-based): chr17:59,666,205, C>T. VCF-style: chr17-59666205-C-T. GRCh37 (hg19) VCF-style: chr17-57743566-C-T.
Other names: c.1759C>T, p.Arg587Trp (NM_001288653.2); short protein forms R583W, R587W.
Identifiers: ClinVar variation 3663933 (VCV003663933.2).